The following is an entry in ClinVar:

ClinVar aggregate classification (germline): Pathogenic. Review status: criteria provided, multiple submitters, no conflicts (2 of 4 stars). 2 submissions from 2 submitters: Pathogenic (2). Last evaluated 2025-06-06.

Conditions:
Nemaline myopathy 10 (NEM10). Identifiers: MedGen C4015360, MONDO:0014513, OMIM 616165.

gnomAD v4.1: 5 of 1,613,372 alleles (0.00031%); highest among the groups gnomAD compares: Non-Finnish European, 0.00042%; no homozygotes.

Submissions (2):

Labcorp Genetics (formerly Invitae), Labcorp
Classification: Pathogenic for Nemaline myopathy 10. Last evaluated: 2025-06-06. Review status: criteria provided, single submitter. Criteria: Invitae Variant Classification Sherloc (09022015). Collection method: clinical testing. Allele origin: germline.
Comment: This sequence change creates a premature translational stop signal (p.Gln36*) in the LMOD3 gene. It is expected to result in an absent or disrupted protein product. Loss-of-function variants in LMOD3 are known to be pathogenic (PMID: 25250574). The frequency data for this variant in the population databases is considered unreliable, as metrics indicate poor data quality at this position in the gnomAD database. This variant has not been reported in the literature in individuals affected with LMOD3-related conditions. For these reasons, this variant has been classified as Pathogenic.

GeneDx
Classification: Pathogenic. Last evaluated: 2025-01-19. Review status: criteria provided, single submitter. Criteria: GeneDx Variant Classification Process June 2021. Collection method: clinical testing. Allele origin: germline. Affected: yes.
Comment: Nonsense variant predicted to result in protein truncation or nonsense mediated decay in a gene for which loss of function is a known mechanism of disease; Not observed at significant frequency in large population cohorts (gnomAD); Has not been previously published as pathogenic or benign to our knowledge

Literature cited by the submitters: PubMed 25250574 (cited by Labcorp Genetics (formerly Invitae), Labcorp).

NM_198271.5(LMOD3):c.106C>T (p.Gln36Ter)

Genes: LMOD3 (leiomodin 3; minus strand), LOC126806710 (CDK7 strongly-dependent group 2 enhancer GRCh37_chr3:69170601-69171800; plus strand). Cytogenetic location: 3p14.1.
Variant type: single nucleotide variant.
Coding change: c.106C>T on transcript NM_198271.5 (MANE Select); coding-DNA position 106, C replaced by T.
Protein change: p.Gln36Ter; replaces glutamine 36 with a stop codon.
Molecular consequence: nonsense.
Genome position (GRCh38, 1-based): chr3:69,122,281, G>A on the plus strand (C>T on the coding strand, the complement: LMOD3 is on the minus strand). VCF-style: chr3-69122281-G-A. GRCh37 (hg19) VCF-style: chr3-69171432-G-A.
Other names: c.106C>T, p.Gln36Ter (NM_001304418.3); short protein forms Q36*.
Identifiers: ClinVar variation 4070600 (VCV004070600.2).